The following is an entry in ClinVar:

NM_001042492.3(NF1):c.938G>T (p.Ser313Ile)

Gene: NF1 (neurofibromin 1; plus strand). Cytogenetic location: 17q11.2.
Variant type: single nucleotide variant.
Coding change: c.938G>T on transcript NM_001042492.3 (MANE Select); coding-DNA position 938, G replaced by T.
Protein change: p.Ser313Ile; replaces serine 313 with isoleucine.
Molecular consequence: missense variant.
Genome position (GRCh38, 1-based): chr17:31,200,471, G>T. VCF-style: chr17-31200471-G-T. GRCh37 (hg19) VCF-style: chr17-29527489-G-T.
Other names: c.938G>T, p.Ser313Ile (NM_001128147.3, NM_000267.4); short protein forms S313I.
Identifiers: ClinVar variation 2836861 (VCV002836861.3), dbSNP rs2066506773, ClinGen allele CA398995743.

ClinVar aggregate classification (germline): Uncertain significance (1 of 4 stars; one submission).

Conditions:
Neurofibromatosis, type 1 (NF1). Also called: VON RECKLINGHAUSEN DISEASE; NEUROFIBROMATOSIS, TYPE I, SOMATIC; Neurofibromatosis, type I; Peripheral type neurofibromatosis. Identifiers: Orphanet 636, MedGen C0027831, MONDO:0018975, OMIM 162200. Disease mechanism: loss of function.

Submission:

Labcorp Genetics (formerly Invitae), Labcorp
Classification: Uncertain significance for Neurofibromatosis, type 1. Last evaluated: 2023-09-10. Review status: criteria provided, single submitter. Criteria: Invitae Variant Classification Sherloc (09022015). Collection method: clinical testing. Allele origin: germline.
Comment: This sequence change replaces serine, which is neutral and polar, with isoleucine, which is neutral and non-polar, at codon 313 of the NF1 protein (p.Ser313Ile). This variant is not present in population databases (gnomAD no frequency). This variant has not been reported in the literature in individuals affected with NF1-related conditions. Advanced modeling of protein sequence and biophysical properties (such as structural, functional, and spatial information, amino acid conservation, physicochemical variation, residue mobility, and thermodynamic stability) performed at Invitae indicates that this missense variant is expected to disrupt NF1 protein function. In summary, the available evidence is currently insufficient to determine the role of this variant in disease. Therefore, it has been classified as a Variant of Uncertain Significance.